The following is an entry in ClinVar:

ClinVar aggregate classification (germline): Uncertain significance (1 of 4 stars; one submission).

Conditions:
Catecholaminergic polymorphic ventricular tachycardia 1. Also called: RYR2-Related Catecholaminergic Polymorphic Ventricular Tachycardia; VENTRICULAR TACHYCARDIA, STRESS-INDUCED POLYMORPHIC 1; VENTRICULAR TACHYCARDIA, CATECHOLAMINERGIC POLYMORPHIC, 1, WITH OR WITHOUT ATRIAL DYSFUNCTION AND/OR DILATED CARDIOMYOPATHY. Identifiers: Orphanet 3286, MedGen C1631597, MONDO:0011484, OMIM 604772.

Submission:

Labcorp Genetics (formerly Invitae), Labcorp
Classification: Uncertain significance for Catecholaminergic polymorphic ventricular tachycardia 1. Last evaluated: 2022-01-15. Review status: criteria provided, single submitter. Criteria: Invitae Variant Classification Sherloc (09022015). Collection method: clinical testing. Allele origin: germline.
Comment: In summary, the available evidence is currently insufficient to determine the role of this variant in disease. Therefore, it has been classified as a Variant of Uncertain Significance. Advanced modeling of protein sequence and biophysical properties (such as structural, functional, and spatial information, amino acid conservation, physicochemical variation, residue mobility, and thermodynamic stability) performed at Invitae indicates that this missense variant is expected to disrupt RYR2 protein function. This variant has not been reported in the literature in individuals affected with RYR2-related conditions. This variant is not present in population databases (gnomAD no frequency). This sequence change replaces tyrosine, which is neutral and polar, with aspartic acid, which is acidic and polar, at codon 4644 of the RYR2 protein (p.Tyr4644Asp).

NM_001035.3(RYR2):c.13930T>G (p.Tyr4644Asp)

Gene: RYR2 (ryanodine receptor 2; plus strand). Cytogenetic location: 1q43.
Variant type: single nucleotide variant.
Coding change: c.13930T>G on transcript NM_001035.3 (MANE Select); coding-DNA position 13930, T replaced by G.
Protein change: p.Tyr4644Asp; replaces tyrosine 4644 with aspartic acid.
Molecular consequence: missense variant.
Genome position (GRCh38, 1-based): chr1:237,795,305, T>G. VCF-style: chr1-237795305-T-G. GRCh37 (hg19) VCF-style: chr1-237958605-T-G.
Other names: short protein forms Y4644D.
Identifiers: ClinVar variation 1466749 (VCV001466749.9), dbSNP rs2149392507, ClinGen allele CA345418592.